The following is an entry in ClinVar:

ClinVar aggregate classification (germline): Uncertain significance (1 of 4 stars; one submission).

Conditions:
Hereditary cancer-predisposing syndrome. Also called: Neoplastic Syndromes, Hereditary; Tumor predisposition; Hereditary Cancer Syndrome; Hereditary neoplastic syndrome. Identifiers: Orphanet 140162, MedGen C0027672, MeSH D009386, MONDO:0015356.

Submission:

Ambry Genetics
Classification: Uncertain significance for Hereditary cancer-predisposing syndrome. Last evaluated: 2014-10-15. Review status: criteria provided, single submitter. Criteria: Ambry Variant Classification Scheme 2023. Collection method: clinical testing. Allele origin: germline.
Comment: The p.F1262L variant (also known as c.3786C>G), located in coding exon 25 of the RAD50 gene, results from a C to G substitution at nucleotide position 3786. The phenylalanine at codon 1262 is replaced by leucine, an amino acid with highly similar properties. This variant was not reported in population based cohorts in the following databases: Database of Single Nucleotide Polymorphisms (dbSNP), NHLBI Exome Sequencing Project (ESP), and 1000 Genomes Project. In the ESP, this variant was not observed in 6503 samples (13006 alleles) with coverage at this position. To date, this alteration has been detected with an allele frequency of approximately 0.005% (greater than 22000 alleles tested) in our clinical cohort. Based on protein sequence alignment, this amino acid position is highly conserved in available vertebrate species. In addition, the in silico prediction for this alteration is inconclusive. Since supporting evidence is limited at this time, the clinical significance of p.F1262L remains unclear.

NM_005732.4(RAD50):c.3786C>G (p.Phe1262Leu)

Genes: TH2LCRR (T helper type 2 locus control region associated RNA; minus strand), RAD50 (RAD50 double strand break repair protein; plus strand). Cytogenetic location: 5q31.1.
Variant type: single nucleotide variant.
Coding change: c.3786C>G on transcript NM_005732.4 (MANE Select); coding-DNA position 3786, C replaced by G.
Protein change: p.Phe1262Leu; replaces phenylalanine 1262 with leucine.
Molecular consequence: missense variant. On other transcripts: non-coding transcript variant (1).
Genome position (GRCh38, 1-based): chr5:132,642,211, C>G. VCF-style: chr5-132642211-C-G. GRCh37 (hg19) VCF-style: chr5-131977903-C-G.
Other names: short protein forms F1262L.
Identifiers: ClinVar variation 186780 (VCV000186780.5), dbSNP rs267600344, ClinGen allele CA195849.